The following is an entry in ClinVar:

ClinVar aggregate classification (germline): Pathogenic (1 of 4 stars; one submission).

Conditions:
Polycystic kidney disease, adult type (PKD1). Also called: Polycystic Kidney, Autosomal Dominant; POLYCYSTIC KIDNEY DISEASE 1 WITH OR WITHOUT POLYCYSTIC LIVER DISEASE; POLYCYSTIC KIDNEY DISEASE, ADULT, TYPE I; Polycystic Kidney Disease 1, Autosomal Dominant; Polycystic kidney disease 1; Polycystic kidney disease 1, severe. Identifiers: MedGen C3149841, MONDO:0008263, OMIM 173900.

Submission:

Juno Genomics, Hangzhou Juno Genomics, Inc
Classification: Pathogenic for Polycystic kidney disease, adult type. Review status: criteria provided, single submitter. Criteria: ACMG Guidelines, 2015. Collection method: clinical testing. Allele origin: germline. Affected: yes.
Comment: Absent from controls (or at extremely low frequency if recessive) in Genome Aggregation Database, Exome Sequencing Project, 1000 Genomes Project, or Exome Aggregation Consortium.;Null variant in a gene where loss of function (LOF) is a known mechanism of disease.;Patient's phenotype or family history is highly specific for a disease with a single genetic etiology.

NM_001009944.3(PKD1):c.2210del (p.Gly737fs)

Gene: PKD1 (polycystin 1, transient receptor potential channel interacting; minus strand). Cytogenetic location: 16p13.3.
Variant type: Deletion.
Coding change: c.2210del on transcript NM_001009944.3 (MANE Select); coding-DNA position 2210, one base deleted (G; older notation c.2210delG).
Protein change: p.Gly737fs; shifts the reading frame from glycine 737.
Molecular consequence: frameshift variant.
Genome position (GRCh38, 1-based): chr16:2,114,813, C deleted on the plus strand (G on the coding strand, the reverse complement: PKD1 is on the minus strand); the first of 2 consecutive C bases (chr16:2,114,813-2,114,814); deleting either gives the same sequence. VCF-style (leftmost placement, unchanged base first): chr16-2114812-AC-A. GRCh37 (hg19) VCF-style: chr16-2164813-AC-A.
Other names: c.2210del, p.Gly737fs (NM_000296.4); short protein forms G737fs.
Identifiers: ClinVar variation 3335825 (VCV003335825.2).